The following is an entry in ClinVar:

ClinVar aggregate classification (germline): Likely benign (1 of 4 stars; one submission).

Submission:

CeGaT Center for Human Genetics Tuebingen
Classification: Likely benign. Last evaluated: 2025-08-01. Review status: criteria provided, single submitter. Criteria: CeGaT Center For Human Genetics Tuebingen Variant Classification Criteria Version 2. Collection method: clinical testing. Allele origin: germline. Affected: yes. Observed: 1 variant allele.
Comment: NFIA: PM2:Supporting, BP4, BP7

NM_001134673.4(NFIA):c.1260T>C (p.Asn420=)

Gene: NFIA (nuclear factor I A; plus strand). Cytogenetic location: 1p31.3.
Variant type: single nucleotide variant.
Coding change: c.1260T>C on transcript NM_001134673.4 (MANE Select); coding-DNA position 1260, T replaced by C.
Protein change: p.Asn420=; no amino-acid change (asparagine 420 retained).
Molecular consequence: synonymous variant.
Genome position (GRCh38, 1-based): chr1:61,406,567, T>C. VCF-style: chr1-61406567-T-C. GRCh37 (hg19) VCF-style: chr1-61872239-T-C.
Other names: c.1236T>C, p.Asn412= (NM_001145511.2); c.1395T>C, p.Asn465= (NM_001145512.2); c.1260T>C, p.Asn420= (NM_005595.5).
Identifiers: ClinVar variation 4085092 (VCV004085092.8).
Genomic context (GRCh38, chr1:61,406,567, plus strand): 5'-TGTCTCTTTCTTCTTTTTCTTGTACGTGTGTTTTCTGCCCCCCCCCCCCCCACAGCCCAA[T>C]GGGAGCAGCCAAGGCAAGGTGCACAACCCATTCCTTCCCACCCCAATGTTGCCACCGCCA-3'
Protein context (NP_001128145.1, residues 410-430): QAGQVGFLNP[Asn420=]GSSQGKVHNP